The following is an entry in ClinVar:

ClinVar aggregate classification (germline): Pathogenic (1 of 4 stars; one submission).

Conditions:
Familial intrahepatic cholestasis. Identifiers: Orphanet 284385, MedGen CN296401, MONDO:0017290.

gnomAD v4.1: 1 of 1,604,202 alleles (0.000062%); highest among the groups gnomAD compares: Non-Finnish European, 0.000085%; no homozygotes.

Submission:

Genomenon, Inc
Classification: Pathogenic for Familial intrahepatic cholestasis. Last evaluated: 2026-04-14. Review status: criteria provided, single submitter. Criteria: Genomenon Sequence Variant Interpretation Standards - Updated. Collection method: curation. Allele origin: germline. Affected: yes.
Comment: ATP8B1 c.2210-2A>G is a canonical splice variant affecting the acceptor splice site of intron 19. It is predicted to affect mRNA splicing, leading to a deleterious effect on the ATP8B1 protein. This variant has been observed in at least one proband with features of ATP8B1-deficiency (PMID:34961929). It is absent or not present at a significant frequency in gnomAD. In conclusion, we classify ATP8B1 c.2210-2A>G as a pathogenic variant.

Literature cited by the submitters: PubMed 34961929.

NM_001374385.1(ATP8B1):c.2210-2A>G

Genes: ATP8B1 (ATPase phospholipid transporting 8B1; minus strand), ATP8B1-AS1 (ATP8B1 antisense RNA 1; plus strand). Cytogenetic location: 18q21.31.
Variant type: single nucleotide variant.
Coding change: c.2210-2A>G on transcript NM_001374385.1 (MANE Select); the canonical splice acceptor site of the intron before coding-DNA position 2210, A replaced by G.
Molecular consequence: splice acceptor variant.
Genome position (GRCh38, 1-based): chr18:57,667,169, T>C on the plus strand (A>G on the coding strand, the complement: ATP8B1 is on the minus strand). VCF-style: chr18-57667169-T-C. GRCh37 (hg19) VCF-style: chr18-55334401-T-C.
Other names: c.2210-2A>G (NM_005603.6); c.2060-2A>G (NM_001374386.1).
Identifiers: ClinVar variation 4846300 (VCV004846300.1).